The following is an entry in ClinVar:

ClinVar aggregate classification (germline): Uncertain significance (1 of 4 stars; one submission).

gnomAD v4.1: 2 of 1,612,400 alleles (0.00012%); highest among the groups gnomAD compares: Non-Finnish European, 0.00017%; no homozygotes.

Submission:

Ambry Genetics
Classification: Uncertain significance. Last evaluated: 2026-03-18. Review status: criteria provided, single submitter. Criteria: Ambry Variant Classification Scheme 2023. Collection method: clinical testing. Allele origin: germline.
Comment: The p.N101K variant (also known as c.303C>A), located in coding exon 3 of the RECQL gene, results from a C to A substitution at nucleotide position 303. The asparagine at codon 101 is replaced by lysine, an amino acid with similar properties. This amino acid position is conserved. In addition, this alteration is predicted to be tolerated by in silico analysis. Based on the available evidence, the clinical significance of this variant remains unclear.

NM_002907.4(RECQL):c.303C>A (p.Asn101Lys)

Gene: RECQL (RecQ like helicase; minus strand). Cytogenetic location: 12p12.1.
Variant type: single nucleotide variant.
Coding change: c.303C>A on transcript NM_002907.4 (MANE Select); coding-DNA position 303, C replaced by A.
Protein change: p.Asn101Lys; replaces asparagine 101 with lysine.
Molecular consequence: missense variant.
Genome position (GRCh38, 1-based): chr12:21,490,290, G>T on the plus strand (C>A on the coding strand, the complement: RECQL is on the minus strand). VCF-style: chr12-21490290-G-T. GRCh37 (hg19) VCF-style: chr12-21643224-G-T.
Other names: c.303C>A, p.Asn101Lys (NM_032941.3); short protein forms N101K.
Identifiers: ClinVar variation 4863106 (VCV004863106.1).